The following is an entry in ClinVar:

NM_015602.4(TOR1AIP1):c.721del (p.Asp241fs)

Gene: TOR1AIP1 (torsin 1A interacting protein 1; plus strand). Cytogenetic location: 1q25.2.
Variant type: Deletion.
Coding change: c.721del on transcript NM_015602.4 (MANE Select); coding-DNA position 721, one base deleted (G; older notation c.721delG).
Protein change: p.Asp241fs; shifts the reading frame from aspartic acid 241.
Molecular consequence: frameshift variant.
Genome position (GRCh38, 1-based): chr1:179,901,370, G deleted; the last of 3 consecutive G bases (chr1:179,901,368-179,901,370); deleting any one gives the same sequence. VCF-style (leftmost placement, unchanged base first): chr1-179901367-AG-A. GRCh37 (hg19) VCF-style: chr1-179870502-AG-A.
Other names: c.724del, p.Asp242fs (NM_001267578.2); c.724delG (NM_001267578.1); short protein forms D241fs, D242fs.
Identifiers: ClinVar variation 818045 (VCV000818045.1), dbSNP rs1366427526, ClinGen allele CA527193861.

ClinVar aggregate classification (germline): Likely pathogenic (1 of 4 stars; one submission).

Submission:

GeneDx
Classification: Likely pathogenic. Last evaluated: 2019-03-19. Review status: criteria provided, single submitter. Criteria: GeneDx Variant Classification (06012015). Collection method: clinical testing. Allele origin: germline. Affected: yes.
Comment: The c.724delG likely pathogenic variant in the TOR1AIP1 gene has not been published as pathogenic or been reported as benign to our knowledge. This variant causes a shift in reading frame starting at codon aspartic acid 242, changing it to an isoleucine, and creating a premature stop codon at position 17 of the new reading frame, denoted p.Asp242IlefsX17. The c.724delG variant is expected to result in either an abnormal, truncated protein product or loss of protein from this allele through nonsense-mediated mRNA decay. Other frameshift variants in the TOR1AIP1 gene have been reported in Human Gene Mutation Database in association with TOR1AIP1-related disorders (Stenson et al., 2014), indicating that loss of function is a mechanism of disease for this gene. Furthermore, the c.724delG variant has not been observed at a significant frequency in large population cohorts (Lek et al., 2016).In summary, c.724delG in the TOR1AIP1 gene is interpreted as a likely pathogenic variant.